The following is an entry in ClinVar:

ClinVar aggregate classification (germline): Uncertain significance (1 of 4 stars; one submission).

Allele frequency attached by ClinVar (database versions not stated): gnomAD exomes below 0.00001; ExAC 0.00001.
gnomAD v4.1: 2 of 1,613,538 alleles (0.00012%); highest among the groups gnomAD compares: Non-Finnish European, 0.00017%; no homozygotes.

Submission:

Labcorp Genetics (formerly Invitae), Labcorp
Classification: Uncertain significance. Last evaluated: 2023-12-30. Review status: criteria provided, single submitter. Criteria: Invitae Variant Classification Sherloc (09022015). Collection method: clinical testing. Allele origin: germline.
Comment: This sequence change replaces leucine, which is neutral and non-polar, with phenylalanine, which is neutral and non-polar, at codon 571 of the SAMD9L protein (p.Leu571Phe). The frequency data for this variant in the population databases is considered unreliable, as metrics indicate poor data quality at this position in the gnomAD database. This variant has not been reported in the literature in individuals affected with SAMD9L-related conditions. Advanced modeling of protein sequence and biophysical properties (such as structural, functional, and spatial information, amino acid conservation, physicochemical variation, residue mobility, and thermodynamic stability) performed at Invitae indicates that this missense variant is not expected to disrupt SAMD9L protein function with a negative predictive value of 80%. In summary, the available evidence is currently insufficient to determine the role of this variant in disease. Therefore, it has been classified as a Variant of Uncertain Significance.

NM_152703.5(SAMD9L):c.1711C>T (p.Leu571Phe)

Gene: SAMD9L (sterile alpha motif domain containing 9 like; minus strand). Cytogenetic location: 7q21.2.
Variant type: single nucleotide variant.
Coding change: c.1711C>T on transcript NM_152703.5 (MANE Select); coding-DNA position 1711, C replaced by T.
Protein change: p.Leu571Phe; replaces leucine 571 with phenylalanine.
Molecular consequence: missense variant.
Genome position (GRCh38, 1-based): chr7:93,134,261, G>A on the plus strand (C>T on the coding strand, the complement: SAMD9L is on the minus strand). VCF-style: chr7-93134261-G-A. GRCh37 (hg19) VCF-style: chr7-92763574-G-A.
Other names: c.1711C>T, p.Leu571Phe (NM_001303496.3, NM_001303497.3, NM_001303498.3 and 5 more transcripts); short protein forms L571F.
Identifiers: ClinVar variation 2701652 (VCV002701652.3), dbSNP rs753071620, ClinGen allele CA4343692.
Genomic context (GRCh38, chr7:93,134,261, plus strand): 5'-TCCATCGTTGATAAATATGTGAGTTTACAGAGATACACAACATATTTTCCATTCCTTTGA[G>A]AGCTTGATAGAAAGCCCAGAAAGTTTCAATGAGTGGATCTCCTGGGCTTTCCACTGAAGA-3'
Protein context (NP_689916.2, residues 561-581): IETFWAFYQA[Leu571Phe]KGMENMLCIS